The following is an entry in ClinVar:

ClinVar aggregate classification (germline): Likely benign. Review status: criteria provided, multiple submitters, no conflicts (2 of 4 stars). 3 submissions from 3 submitters: Likely benign (2). 1 of the submissions does not count toward it. Last evaluated 2026-01-28.

Conditions:
SPAG1-related disorder. Also called: SPAG1-related condition.
Primary ciliary dyskinesia 28. Also called: CILIARY DYSKINESIA, PRIMARY, 28, WITH OR WITHOUT SITUS INVERSUS. Identifiers: Orphanet 244, MedGen C3809706, MONDO:0014216, OMIM 615505.
Primary ciliary dyskinesia. Also called: Ciliary dyskinesia. Identifiers: Orphanet 244, MedGen C0008780, MONDO:0016575, HP:0012265.

Allele frequency attached by ClinVar (database versions not stated): gnomAD exomes 0.00027; ExAC 0.00030; 1000 Genomes Project 30x 0.00031; 1000 Genomes Project 0.00040; gnomAD 0.00099 and 0.00111; TOPMed 0.00117; ESP Exome Variant Server 0.00169.
gnomAD v4.1: 304 of 1,612,858 alleles (0.019%); highest among the groups gnomAD compares: African/African-American, 0.34%; no homozygotes.

Submissions (3):

Labcorp Genetics (formerly Invitae), Labcorp
Classification: Likely benign for Primary ciliary dyskinesia 28. Last evaluated: 2026-01-28. Review status: criteria provided, single submitter. Criteria: Invitae Variant Classification Sherloc (09022015). Collection method: clinical testing. Allele origin: germline.

Ambry Genetics
Classification: Likely benign for Primary ciliary dyskinesia. Last evaluated: 2019-01-23. Review status: criteria provided, single submitter. Criteria: Ambry Variant Classification Scheme 2023. Collection method: clinical testing. Allele origin: germline.

PreventionGenetics, part of Exact Sciences
Classification: Likely benign for SPAG1-related condition. Last evaluated: 2024-01-02. Review status: no assertion criteria provided. Collection method: clinical testing. Allele origin: germline. Not counted in ClinVar's aggregate classification.
Comment: This variant is classified as likely benign based on ACMG/AMP sequence variant interpretation guidelines (Richards et al. 2015 PMID: 25741868, with internal and published modifications).

NM_003114.5(SPAG1):c.398G>A (p.Gly133Asp)

Gene: SPAG1 (sperm associated antigen 1; plus strand). Cytogenetic location: 8q22.2.
Variant type: single nucleotide variant.
Coding change: c.398G>A on transcript NM_003114.5 (MANE Select); coding-DNA position 398, G replaced by A.
Protein change: p.Gly133Asp; replaces glycine 133 with aspartic acid.
Molecular consequence: missense variant.
Genome position (GRCh38, 1-based): chr8:100,177,913, G>A. VCF-style: chr8-100177913-G-A. GRCh37 (hg19) VCF-style: chr8-101190141-G-A.
Other names: c.398G>A, p.Gly133Asp (NM_001374321.1, NM_172218.3); short protein forms G133D.
Identifiers: ClinVar variation 697238 (VCV000697238.14), dbSNP rs147984546, ClinGen allele CA4827239.